The following is an entry in ClinVar:

NM_001206927.2(DNAH8):c.9212A>G (p.Asn3071Ser)

Gene: DNAH8 (dynein axonemal heavy chain 8; plus strand). Cytogenetic location: 6p21.2.
Variant type: single nucleotide variant.
Coding change: c.9212A>G on transcript NM_001206927.2 (MANE Select); coding-DNA position 9212, A replaced by G.
Protein change: p.Asn3071Ser; replaces asparagine 3071 with serine.
Molecular consequence: missense variant.
Genome position (GRCh38, 1-based): chr6:38,906,271, A>G. VCF-style: chr6-38906271-A-G. GRCh37 (hg19) VCF-style: chr6-38874047-A-G.
Other names: c.8561A>G, p.Asn2854Ser (NM_001371.4); short protein forms N3071S, N2854S.
Identifiers: ClinVar variation 568684 (VCV000568684.1), dbSNP rs1561844607, ClinGen allele CA364001202.

ClinVar aggregate classification (germline): Uncertain significance (1 of 4 stars; one submission).

Conditions:
Primary ciliary dyskinesia. Also called: Ciliary dyskinesia. Identifiers: Orphanet 244, MedGen C0008780, MONDO:0016575, HP:0012265.

Allele frequency attached by ClinVar (database versions not stated): gnomAD exomes below 0.00001.
gnomAD v4.1: 5 of 1,596,896 alleles (0.00031%); highest among the groups gnomAD compares: Non-Finnish European, 0.00043%; no homozygotes.

Submission:

Labcorp Genetics (formerly Invitae), Labcorp
Classification: Uncertain significance for Ciliary dyskinesia. Last evaluated: 2018-04-19. Review status: criteria provided, single submitter. Criteria: Invitae Variant Classification Sherloc (09022015). Collection method: clinical testing. Allele origin: germline.
Comment: This sequence change replaces asparagine with serine at codon 3071 of the DNAH8 protein (p.Asn3071Ser). The asparagine residue is highly conserved and there is a small physicochemical difference between asparagine and serine. This variant is not present in population databases (ExAC no frequency). This variant has not been reported in the literature in individuals with DNAH8-related disease. Algorithms developed to predict the effect of missense changes on protein structure and function do not agree on the potential impact of this missense change (SIFT: "Deleterious"; PolyPhen-2: "Benign"; Align-GVGD: "Class C45"). Algorithms developed to predict the effect of sequence changes on RNA splicing suggest that this variant may create or strengthen a splice site, but this prediction has not been confirmed by published transcriptional studies. In summary, the available evidence is currently insufficient to determine the role of this variant in disease. Therefore, it has been classified as a Variant of Uncertain Significance.